The following is an entry in ClinVar:

NM_004333.6(BRAF):c.1178-1791C>T

Gene: BRAF (B-Raf proto-oncogene, serine/threonine kinase; minus strand). Cytogenetic location: 7q34.
Variant type: single nucleotide variant.
Coding change: c.1178-1791C>T on transcript NM_004333.6 (MANE Select); 1791 bases into the intron before coding-DNA position 1178, C replaced by T.
Molecular consequence: intron variant.
Genome position (GRCh38, 1-based): chr7:140,784,948, G>A on the plus strand (C>T on the coding strand, the complement: BRAF is on the minus strand). VCF-style: chr7-140784948-G-A. GRCh37 (hg19) VCF-style: chr7-140484748-G-A.
Other names: c.1178-1791C>T (NM_001378474.1, NM_001378468.1, NM_001354609.2); c.1076-1791C>T (NM_001378470.1); c.914-1791C>T (NM_001378475.1); c.1141-1865C>T (NM_001378471.1); c.1297+741C>T (NM_001374258.1, NM_001374244.1); c.1187-1791C>T (NM_001378467.1); c.1022-1791C>T (NM_001378472.1, NM_001378473.1); c.1178-1857C>T (NM_001378469.1).
Identifiers: ClinVar variation 3025593 (VCV003025593.22), dbSNP rs573658224, ClinGen allele CA168092725.

ClinVar aggregate classification (germline): Benign (1 of 4 stars; one submission).

Allele frequency attached by ClinVar (database versions not stated): TOPMed 0.00008; gnomAD 0.00035; 1000 Genomes Project 30x 0.00234; 1000 Genomes Project 0.00240.
gnomAD v4.1: 52 of 152,082 alleles (0.034%); highest among the groups gnomAD compares: South Asian, 0.95%; no homozygotes.

Submission:

CeGaT Center for Human Genetics Tuebingen
Classification: Benign. Last evaluated: 2024-01-01. Review status: criteria provided, single submitter. Criteria: CeGaT Center For Human Genetics Tuebingen Variant Classification Criteria Version 2. Collection method: clinical testing. Allele origin: germline. Affected: yes. Observed: 1 variant allele.
Comment: BRAF: BS1, BS2